The following is an entry in ClinVar:

ClinVar aggregate classification (germline): Likely benign. Review status: criteria provided, multiple submitters, no conflicts (2 of 4 stars). 3 submissions from 3 submitters: Likely benign (2). 1 of the submissions does not count toward it. Last evaluated 2026-01-24.

Conditions:
CEP250-related disorder. Also called: CEP250-related condition.

Allele frequency attached by ClinVar (database versions not stated): 1000 Genomes Project 30x 0.00016; ExAC 0.00016; gnomAD exomes 0.00018; 1000 Genomes Project 0.00020; ESP Exome Variant Server 0.00023; gnomAD 0.00025 and 0.00027; TOPMed 0.00025.
gnomAD v4.1: 779 of 1,614,202 alleles (0.048%); highest among the groups gnomAD compares: Non-Finnish European, 0.062%; 2 homozygotes.

Submissions (3):

Labcorp Genetics (formerly Invitae), Labcorp
Classification: Likely benign. Last evaluated: 2026-01-24. Review status: criteria provided, single submitter. Criteria: Invitae Variant Classification Sherloc (09022015). Collection method: clinical testing. Allele origin: germline.

Blueprint Genetics
Classification: Likely benign. Last evaluated: 2024-09-05. Review status: criteria provided, single submitter. Criteria: ACMG Guidelines, 2015. Collection method: clinical testing. Allele origin: germline.

PreventionGenetics, part of Exact Sciences
Classification: Likely benign for CEP250-related condition. Last evaluated: 2019-08-28. Review status: no assertion criteria provided. Collection method: clinical testing. Allele origin: germline. Not counted in ClinVar's aggregate classification.
Comment: This variant is classified as likely benign based on ACMG/AMP sequence variant interpretation guidelines (Richards et al. 2015 PMID: 25741868, with internal and published modifications).

NM_007186.6(CEP250):c.4674G>C (p.Leu1558=)

Gene: CEP250 (centrosomal protein 250; plus strand). Cytogenetic location: 20q11.22.
Variant type: single nucleotide variant.
Coding change: c.4674G>C on transcript NM_007186.6 (MANE Select); coding-DNA position 4674, G replaced by C.
Protein change: p.Leu1558=; no amino-acid change (leucine 1558 retained).
Molecular consequence: synonymous variant.
Genome position (GRCh38, 1-based): chr20:35,503,043, G>C. VCF-style: chr20-35503043-G-C. GRCh37 (hg19) VCF-style: chr20-34090871-G-C.
Other names: c.2778G>C, p.Leu926= (NM_001318219.1); c.4674G>C (NM_007186.5).
Identifiers: ClinVar variation 1121028 (VCV001121028.12), dbSNP rs149333362, ClinGen allele CA9833752.
Genomic context (GRCh38, chr20:35,503,043, plus strand): 5'-TGAGTCCCAGAGAGGACAGGTTCAGGACCTGAAAAAGCAGTTGGTTACTCTGGAATGCCT[G>C]GCCCTGGAACTGGAGGAAAACCATCACAAGATGGAGTGCCAGCAAAAACTGATCAAGGAG-3'
Protein context (NP_009117.2, residues 1548-1568): LKKQLVTLEC[Leu1558=]ALELEENHHK